The following is an entry in ClinVar:

NM_000302.4(PLOD1):c.2096T>C (p.Met699Thr)

Gene: PLOD1 (procollagen-lysine,2-oxoglutarate 5-dioxygenase 1; plus strand). Cytogenetic location: 1p36.22.
Variant type: single nucleotide variant.
Coding change: c.2096T>C on transcript NM_000302.4 (MANE Select); coding-DNA position 2096, T replaced by C.
Protein change: p.Met699Thr; replaces methionine 699 with threonine.
Molecular consequence: missense variant.
Genome position (GRCh38, 1-based): chr1:11,974,720, T>C. VCF-style: chr1-11974720-T-C. GRCh37 (hg19) VCF-style: chr1-12034777-T-C.
Other names: c.2237T>C, p.Met746Thr (NM_001316320.2); short protein forms M699T, M746T.
Identifiers: ClinVar variation 4862066 (VCV004862066.1).

ClinVar aggregate classification (germline): Uncertain significance (1 of 4 stars; one submission).

Conditions:
Familial thoracic aortic aneurysm and aortic dissection (TAAD). Also called: Thoracic aortic aneurysms and dissections. Identifiers: Orphanet 91387, MedGen C4707243, MONDO:0019625.

gnomAD v4.1: 3 of 1,613,826 alleles (0.00019%); highest among the groups gnomAD compares: African/African-American, 0.0013%; no homozygotes.

Submission:

Ambry Genetics
Classification: Uncertain significance for Familial thoracic aortic aneurysm and aortic dissection. Last evaluated: 2026-05-14. Review status: criteria provided, single submitter. Criteria: Ambry Variant Classification Scheme 2023. Collection method: clinical testing. Allele origin: germline.
Comment: The p.M699T variant (also known as c.2096T>C), located in coding exon 19 of the PLOD1 gene, results from a T to C substitution at nucleotide position 2096. The methionine at codon 699 is replaced by threonine, an amino acid with similar properties. This amino acid position is conserved. In addition, the in silico prediction for this alteration is inconclusive. Based on the available evidence, the clinical significance of this variant remains unclear.